The following is an entry in ClinVar:

NM_206933.4(USH2A):c.410C>T (p.Ser137Phe)

Gene: USH2A (usherin; minus strand). Cytogenetic location: 1q41.
Variant type: single nucleotide variant.
Coding change: c.410C>T on transcript NM_206933.4 (MANE Select); coding-DNA position 410, C replaced by T.
Protein change: p.Ser137Phe; replaces serine 137 with phenylalanine.
Molecular consequence: missense variant.
Genome position (GRCh38, 1-based): chr1:216,421,927, G>A on the plus strand (C>T on the coding strand, the complement: USH2A is on the minus strand). VCF-style: chr1-216421927-G-A. GRCh37 (hg19) VCF-style: chr1-216595269-G-A.
Other names: c.410C>T, p.Ser137Phe (NM_007123.6); short protein forms S137F.
Identifiers: ClinVar variation 2035692 (VCV002035692.6), dbSNP rs994400152, ClinGen allele CA37922137.
Genomic context (GRCh38, chr1:216,421,927, plus strand): 5'-TCAGGTTTCAGCCATACAGCTAAGGTAAATGATGCCATCAGCTTTGGAGAAGGAGGAGAA[G>A]AAAAGCAGCTCTTGTGATTTCCAAAAATAAAACTTGCAGAATTGCTATGGGCGTTAGGAT-3'
Protein context (NP_996816.3, residues 127-147): FIFGNHKSCF[Ser137Phe]SPPSPKLMAS

ClinVar aggregate classification (germline): Uncertain significance. Review status: criteria provided, multiple submitters, no conflicts (2 of 4 stars). 4 submissions from 3 submitters: Uncertain significance (4). Last evaluated 2024-11-11.

Conditions:
Inborn genetic diseases. Identifiers: MedGen C0950123, MeSH D030342.
Usher syndrome type 2A. Also called: RETINAL DISEASE IN USHER SYNDROME TYPE IIA, MODIFIER OF; USHER SYNDROME, TYPE IIA. Identifiers: Orphanet 231178, Orphanet 886, MedGen C1848634, MONDO:0010169, OMIM 276901.
Retinitis pigmentosa 39 (RP39). Identifiers: Orphanet 791, MedGen C3151138, MONDO:0013436, OMIM 613809.

Allele frequency attached by ClinVar (database versions not stated): gnomAD 0.00001; TOPMed 0.00001.
gnomAD v4.1: 5 of 1,613,842 alleles (0.00031%); highest among the groups gnomAD compares: African/African-American, 0.004%; no homozygotes.

Submissions (4):

Labcorp Genetics (formerly Invitae), Labcorp
Classification: Uncertain significance. Last evaluated: 2024-11-11. Review status: criteria provided, single submitter. Criteria: Invitae Variant Classification Sherloc (09022015). Collection method: clinical testing. Allele origin: germline.
Comment: This sequence change replaces serine, which is neutral and polar, with phenylalanine, which is neutral and non-polar, at codon 137 of the USH2A protein (p.Ser137Phe). This variant is not present in population databases (gnomAD no frequency). This variant has not been reported in the literature in individuals affected with USH2A-related conditions. ClinVar contains an entry for this variant (Variation ID: 2035692). Invitae Evidence Modeling of protein sequence and biophysical properties (such as structural, functional, and spatial information, amino acid conservation, physicochemical variation, residue mobility, and thermodynamic stability) indicates that this missense variant is not expected to disrupt USH2A protein function with a negative predictive value of 95%. In summary, the available evidence is currently insufficient to determine the role of this variant in disease. Therefore, it has been classified as a Variant of Uncertain Significance.

Ambry Genetics
Classification: Uncertain significance for Inborn genetic diseases. Last evaluated: 2024-05-30. Review status: criteria provided, single submitter. Criteria: Ambry Variant Classification Scheme 2023. Collection method: clinical testing. Allele origin: germline.

Genome-Nilou Lab
Classification: Uncertain significance for Retinitis pigmentosa 39. Last evaluated: 2023-11-04. Review status: criteria provided, single submitter. Criteria: ACMG Guidelines, 2015. Collection method: clinical testing. Allele origin: germline. Affected: no.

Genome-Nilou Lab
Classification: Uncertain significance for Usher syndrome type 2A. Last evaluated: 2023-11-04. Review status: criteria provided, single submitter. Criteria: ACMG Guidelines, 2015. Collection method: clinical testing. Allele origin: germline. Affected: no.